The following is an entry in ClinVar:

ClinVar aggregate classification (germline): Pathogenic. Review status: criteria provided, multiple submitters, no conflicts (2 of 4 stars). 2 submissions from 2 submitters: Pathogenic (2). Last evaluated 2025-12-16.

Conditions:
Inborn genetic diseases. Identifiers: MedGen C0950123, MeSH D030342.

Submissions (2):

Ambry Genetics
Classification: Pathogenic for Inborn genetic diseases. Last evaluated: 2025-12-16. Review status: criteria provided, single submitter. Criteria: Ambry Variant Classification Scheme 2023. Collection method: clinical testing. Allele origin: germline.
Comment: The c.2684C>T (p.P895L) alteration is located in exon 17 (coding exon 14) of the WHSC1 gene. This alteration results from a C to T substitution at nucleotide position 2684, causing the proline (P) at amino acid position 895 to be replaced by a leucine (L). This variant was not reported in population-based cohorts in the Genome Aggregation Database (gnomAD). This variant was reported in individual(s) with features consistent with Rauch-Steindl syndrome; in at least one individual, it was determined to be de novo (Zanoni, 2021, external communication). This amino acid position is highly conserved in available vertebrate species. This missense alteration is located in a region that has a low rate of benign missense variation (Lek, 2016; Firth, 2009). This alteration is predicted to be deleterious by in silico analysis. Based on the available evidence, this alteration is classified as pathogenic.

Labcorp Genetics (formerly Invitae), Labcorp
Classification: Pathogenic. Last evaluated: 2024-11-04. Review status: criteria provided, single submitter. Criteria: Invitae Variant Classification Sherloc (09022015). Collection method: clinical testing. Allele origin: germline.
Comment: This sequence change replaces proline, which is neutral and non-polar, with leucine, which is neutral and non-polar, at codon 895 of the WHSC1 protein (p.Pro895Leu). This variant is not present in population databases (gnomAD no frequency). This missense change has been observed in individual(s) with clinical features of Wolf-Hirschhorn syndrome (PMID: 33941880; internal data). In at least one individual the variant was observed to be de novo. Invitae Evidence Modeling of protein sequence and biophysical properties (such as structural, functional, and spatial information, amino acid conservation, physicochemical variation, residue mobility, and thermodynamic stability) indicates that this missense variant is expected to disrupt WHSC1 protein function with a positive predictive value of 80%. Experimental studies have shown that this missense change affects WHSC1 function (PMID: 33941880). For these reasons, this variant has been classified as Pathogenic.

Literature cited by the submitters: PubMed 33941880 (cited by Ambry Genetics and Labcorp Genetics (formerly Invitae), Labcorp).

NM_001042424.3(NSD2):c.2684C>T (p.Pro895Leu)

Gene: NSD2 (nuclear receptor binding SET domain protein 2; plus strand). Cytogenetic location: 4p16.3.
Variant type: single nucleotide variant.
Coding change: c.2684C>T on transcript NM_001042424.3 (MANE Select); coding-DNA position 2684, C replaced by T.
Protein change: p.Pro895Leu; replaces proline 895 with leucine.
Molecular consequence: missense variant.
Genome position (GRCh38, 1-based): chr4:1,955,991, C>T. VCF-style: chr4-1955991-C-T. GRCh37 (hg19) VCF-style: chr4-1957718-C-T.
Other names: c.2684C>T (NM_133330.2); c.2684C>T, p.Pro895Leu (NM_133330.3, NM_133331.3, NM_133335.4); short protein forms P895L.
Identifiers: ClinVar variation 3708536 (VCV003708536.3).